The following is an entry in ClinVar:

ClinVar aggregate classification (germline): Benign. Review status: criteria provided, multiple submitters, no conflicts (2 of 4 stars). 3 submissions from 3 submitters: Benign (3). Last evaluated 2018-09-05.

Conditions:
Immunodeficiency 18 (IMD18). Also called: CD3-EPSILON DEFICIENCY; CD3epsilon deficiency. Identifiers: MedGen C3810127, MONDO:0014278, OMIM 615615.

Allele frequency attached by ClinVar (database versions not stated): ESP Exome Variant Server 0.01809; 1000 Genomes Project 0.01997; 1000 Genomes Project 30x 0.01999; gnomAD 0.02215 and 0.02231; TOPMed 0.02387; gnomAD exomes 0.02664 and 0.02919; ExAC 0.03557.
gnomAD v4.1: 37,396 of 1,438,796 alleles (2.6%); highest among the groups gnomAD compares: Admixed American, 5.9%; 588 homozygotes.

Submissions (3):

GeneDx
Classification: Benign. Last evaluated: 2018-09-05. Review status: criteria provided, single submitter. Criteria: GeneDx Variant Classification Process June 2021. Collection method: clinical testing. Allele origin: germline. Affected: yes.

Illumina Laboratory Services, Illumina
Classification: Benign for Immunodeficiency 18. Last evaluated: 2018-01-13. Review status: criteria provided, single submitter. Criteria: ICSL Variant Classification Criteria 13 December 2019. Collection method: clinical testing. Allele origin: germline.
Comment: This variant was observed in the ICSL laboratory as part of a predisposition screen in an ostensibly healthy population. It had not been previously curated by ICSL or reported in the Human Gene Mutation Database (HGMD: prior to June 1st, 2018), and was therefore a candidate for classification through an automated scoring system. Utilizing variant allele frequency, disease prevalence and penetrance estimates, and inheritance mode, an automated score was calculated to assess if this variant is too frequent to cause the disease. Based on the score and internal cut-off values, a variant classified as benign is not then subjected to further curation. The score for this variant resulted in a classification of benign for this disease.

Breakthrough Genomics
Classification: Benign. Review status: criteria provided, single submitter. Criteria: ACMG Guidelines, 2015. Collection method: not provided. Allele origin: germline. Inheritance: Autosomal recessive inheritance. Affected: yes.

NM_000733.4(CD3E):c.*48C>A

Gene: CD3E (CD3 epsilon subunit of T-cell receptor complex; plus strand). Cytogenetic location: 11q23.3.
Variant type: single nucleotide variant.
Coding change: c.*48C>A on transcript NM_000733.4 (MANE Select); 48 bases downstream of the stop codon, C replaced by A.
Molecular consequence: 3 prime UTR variant.
Genome position (GRCh38, 1-based): chr11:118,315,590, C>A. VCF-style: chr11-118315590-C-A. GRCh37 (hg19) VCF-style: chr11-118186305-C-A.
Identifiers: ClinVar variation 302665 (VCV000302665.8), dbSNP rs2231449, ClinGen allele CA6301829.